The following is an entry in ClinVar:

NM_001039960.3(SLC4A8):c.2172+4833G>A

Gene: SLC4A8 (solute carrier family 4 member 8; plus strand). Cytogenetic location: 12q13.13.
Variant type: single nucleotide variant.
Coding change: c.2172+4833G>A on transcript NM_001039960.3 (MANE Select); 4833 bases into the intron after coding-DNA position 2172, G replaced by A.
Molecular consequence: intron variant. On other transcripts: synonymous variant (2).
Genome position (GRCh38, 1-based): chr12:51,480,039, G>A. VCF-style: chr12-51480039-G-A. GRCh37 (hg19) VCF-style: chr12-51873823-G-A.
Other names: c.2061G>A, p.Leu687= (NM_001258403.2, NM_001405266.1); c.2136+4833G>A (NM_001405270.1); c.2013+4833G>A (NM_001258401.3); c.2172+4833G>A (NM_001405268.1).
Identifiers: ClinVar variation 3389362 (VCV003389362.14).

ClinVar aggregate classification (germline): Likely benign (1 of 4 stars; one submission).

Submission:

CeGaT Center for Human Genetics Tuebingen
Classification: Likely benign. Last evaluated: 2024-10-01. Review status: criteria provided, single submitter. Criteria: CeGaT Center For Human Genetics Tuebingen Variant Classification Criteria Version 2. Collection method: clinical testing. Allele origin: germline. Affected: yes. Observed: 1 variant allele.
Comment: SLC4A8: BP4, BP7